The following is an entry in ClinVar:

ClinVar aggregate classification (germline): Likely benign. Review status: criteria provided, multiple submitters, no conflicts (2 of 4 stars). 3 submissions from 3 submitters: Likely benign (2). 1 of the submissions does not count toward it. Last evaluated 2026-01-18.

Conditions:
COL18A1-related disorder. Also called: COL18A1-related condition; COL18A1-related disorders.

Allele frequency attached by ClinVar (database versions not stated): gnomAD 0.00002 and 0.00003; gnomAD exomes 0.00002 and 0.00003; TOPMed 0.00003; ExAC 0.00005; 1000 Genomes Project 30x 0.00031.
gnomAD v4.1: 51 of 1,560,602 alleles (0.0033%); highest among the groups gnomAD compares: East Asian, 0.041%; no homozygotes.

Submissions (3):

Labcorp Genetics (formerly Invitae), Labcorp
Classification: Likely benign. Last evaluated: 2026-01-18. Review status: criteria provided, single submitter. Criteria: Invitae Variant Classification Sherloc (09022015). Collection method: clinical testing. Allele origin: germline.

Blueprint Genetics
Classification: Likely benign. Last evaluated: 2024-10-28. Review status: criteria provided, single submitter. Criteria: ACMG Guidelines, 2015. Collection method: clinical testing. Allele origin: germline.

PreventionGenetics, part of Exact Sciences
Classification: Likely benign for COL18A1-related condition. Last evaluated: 2019-07-31. Review status: no assertion criteria provided. Collection method: clinical testing. Allele origin: germline. Not counted in ClinVar's aggregate classification.
Comment: This variant is classified as likely benign based on ACMG/AMP sequence variant interpretation guidelines (Richards et al. 2015 PMID: 25741868, with internal and published modifications).

NM_001379500.1(COL18A1):c.2229C>T (p.Pro743=)

Gene: COL18A1 (collagen type XVIII alpha 1 chain; plus strand). Cytogenetic location: 21q22.3.
Variant type: single nucleotide variant.
Coding change: c.2229C>T on transcript NM_001379500.1 (MANE Select); coding-DNA position 2229, C replaced by T.
Protein change: p.Pro743=; no amino-acid change (proline 743 retained).
Molecular consequence: synonymous variant.
Genome position (GRCh38, 1-based): chr21:45,493,177, C>T. VCF-style: chr21-45493177-C-T. GRCh37 (hg19) VCF-style: chr21-46913091-C-T.
Other names: c.2769C>T, p.Pro923= (NM_030582.4); c.3474C>T, p.Pro1158= (NM_130444.3); c.2769C>T (NM_030582.3).
Identifiers: ClinVar variation 1091742 (VCV001091742.12), dbSNP rs376292745, ClinGen allele CA10066957.